The following is an entry in ClinVar:

ClinVar aggregate classification (germline): Uncertain significance (1 of 4 stars; one submission).

Conditions:
Glycogen storage disease, type II (IOPD). Also called: Glucosidase acid-1,4-alpha deficiency; Pompe Disease; POMPE DISEASE, INFANTILE-ONSET; GLYCOGEN STORAGE DISEASE II, INFANTILE-ONSET; ACID ALPHA-GLUCOSIDASE DEFICIENCY, INFANTILE-ONSET; GAA DEFICIENCY, INFANTILE-ONSET. Identifiers: Orphanet 365, MedGen C0017921, MONDO:0009290, OMIM 232300.

Allele frequency attached by ClinVar (database versions not stated): gnomAD exomes below 0.00001; ExAC 0.00002.
gnomAD v4.1: 5 of 1,613,704 alleles (0.00031%); highest among the groups gnomAD compares: Non-Finnish European, 0.00042%; no homozygotes.

Submission:

Labcorp Genetics (formerly Invitae), Labcorp
Classification: Uncertain significance for Glycogen storage disease, type II. Last evaluated: 2022-07-21. Review status: criteria provided, single submitter. Criteria: Invitae Variant Classification Sherloc (09022015). Collection method: clinical testing. Allele origin: germline.
Comment: This sequence change disrupts the translational stop signal of the GAA mRNA. It is expected to extend the length of the GAA protein by 6 additional amino acid residues. This variant is present in population databases (rs775903485, gnomAD 0.003%). This variant has not been reported in the literature in individuals affected with GAA-related conditions. Experimental studies and prediction algorithms are not available or were not evaluated, and the functional significance of this variant is currently unknown. In summary, the available evidence is currently insufficient to determine the role of this variant in disease. Therefore, it has been classified as a Variant of Uncertain Significance.

NM_000152.5(GAA):c.2857T>C (p.Ter953Gln)

Gene: GAA (alpha glucosidase; plus strand). Cytogenetic location: 17q25.3.
Variant type: single nucleotide variant.
Coding change: c.2857T>C on transcript NM_000152.5 (MANE Select); coding-DNA position 2857, T replaced by C.
Protein change: p.Ter953Gln.
Molecular consequence: stop lost.
Genome position (GRCh38, 1-based): chr17:80,119,329, T>C. VCF-style: chr17-80119329-T-C. GRCh37 (hg19) VCF-style: chr17-78093128-T-C.
Other names: c.2857T>C, p.Ter953Gln (NM_001079803.3, NM_001079804.3, NM_001406741.1 and 1 more transcripts).
Identifiers: ClinVar variation 2199964 (VCV002199964.1), dbSNP rs775903485, ClinGen allele CA8815892.
Genomic context (GRCh38, chr17:80,119,329, plus strand): 5'-CAGGTCCTGGACATCTGTGTCTCGCTGTTGATGGGAGAGCAGTTTCTCGTCAGCTGGTGT[T>C]AGCCGGGCGGAGTGTGTTAGTCTCTCCAGAGGGAGGCTGGTTCCCCAGGGAAGCAGAGCC-3'